The following is an entry in ClinVar:

ClinVar aggregate classification (germline): Uncertain significance. Review status: criteria provided, multiple submitters, no conflicts (2 of 4 stars). 4 submissions from 4 submitters: Uncertain significance (3). 1 of the submissions does not count toward it. Last evaluated 2024-04-25.

Conditions:
Hereditary cancer-predisposing syndrome. Also called: Tumor predisposition; Hereditary neoplastic syndrome; Neoplastic Syndromes, Hereditary; Hereditary Cancer Syndrome. Identifiers: Orphanet 140162, MedGen C0027672, MeSH D009386, MONDO:0015356.
Ataxia-telangiectasia syndrome (AT). Also called: ATAXIA-TELANGIECTASIA, COMPLEMENTATION GROUP A; ATAXIA-TELANGIECTASIA, FRESNO VARIANT; Ataxia-telangiectasia; LOUIS-BAR SYNDROME; Cerebello-oculocutaneous telangiectasia; Immunodeficiency with ataxia telangiectasia. Identifiers: Orphanet 100, MedGen C0004135, MONDO:0008840, OMIM 208900.

Allele frequency attached by ClinVar (database versions not stated): TOPMed below 0.00001; gnomAD exomes 0.00001.
gnomAD v4.1: 3 of 1,611,104 alleles (0.00019%); highest among the groups gnomAD compares: Non-Finnish European, 0.00025%; no homozygotes.

Submissions (4):

Labcorp Genetics (formerly Invitae), Labcorp
Classification: Uncertain significance for Ataxia-telangiectasia syndrome. Last evaluated: 2024-04-25. Review status: criteria provided, single submitter. Criteria: Invitae Variant Classification Sherloc (09022015). Collection method: clinical testing. Allele origin: germline.
Comment: This sequence change replaces alanine, which is neutral and non-polar, with valine, which is neutral and non-polar, at codon 736 of the ATM protein (p.Ala736Val). This variant is present in population databases (rs587780617, gnomAD 0.0009%). This missense change has been observed in individual(s) with colorectal cancer (PMID: 28135145). ClinVar contains an entry for this variant (Variation ID: 135743). An algorithm developed to predict the effect of missense changes on protein structure and function (PolyPhen-2) suggests that this variant¬†is likely to be tolerated. In summary, the available evidence is currently insufficient to determine the role of this variant in disease. Therefore, it has been classified as a Variant of Uncertain Significance.

Ambry Genetics
Classification: Uncertain significance for Hereditary cancer-predisposing syndrome. Last evaluated: 2023-10-13. Review status: criteria provided, single submitter. Criteria: Ambry Variant Classification Scheme 2023. Collection method: clinical testing. Allele origin: germline.
Comment: The p.A736V variant (also known as c.2207C>T), located in coding exon 13 of the ATM gene, results from a C to T substitution at nucleotide position 2207. The alanine at codon 736 is replaced by valine, an amino acid with similar properties. This amino acid position is not well conserved in available vertebrate species. In addition, this alteration is predicted to be tolerated by in silico analysis. Since supporting evidence is limited at this time, the clinical significance of this alteration remains unclear.

Color Diagnostics, LLC DBA Color Health
Classification: Uncertain significance for Hereditary cancer-predisposing syndrome. Last evaluated: 2021-06-02. Review status: criteria provided, single submitter. Criteria: ACMG Guidelines, 2015. Collection method: clinical testing. Allele origin: germline.
Comment: This missense variant replaces alanine with valine at codon 736 of the ATM protein. Computational prediction suggests that this variant may not impact protein structure and function (internally defined REVEL score threshold <= 0.5, PMID: 27666373). To our knowledge, functional studies have not been reported for this variant. This variant has not been reported in individuals affected with hereditary cancer in the literature. This variant has been identified in 2/251186 chromosomes in the general population by the Genome Aggregation Database (gnomAD). The available evidence is insufficient to determine the role of this variant in disease conclusively. Therefore, this variant is classified as a Variant of Uncertain Significance.

Counsyl
Classification: Uncertain significance for Ataxia-telangiectasia syndrome. Last evaluated: 2018-05-14. Review status: no assertion criteria provided. Collection method: clinical testing. Allele origin: unknown. Not counted in ClinVar's aggregate classification.

Literature cited by the submitters: PubMed 28135145 (cited by Labcorp Genetics (formerly Invitae), Labcorp).

NM_000051.4(ATM):c.2207C>T (p.Ala736Val)

Gene: ATM (ATM serine/threonine kinase; plus strand). Cytogenetic location: 11q22.3.
Variant type: single nucleotide variant.
Coding change: c.2207C>T on transcript NM_000051.4 (MANE Select); coding-DNA position 2207, C replaced by T.
Protein change: p.Ala736Val; replaces alanine 736 with valine.
Molecular consequence: missense variant.
Genome position (GRCh38, 1-based): chr11:108,256,297, C>T. VCF-style: chr11-108256297-C-T. GRCh37 (hg19) VCF-style: chr11-108127024-C-T.
Other names: c.2207C>T, p.Ala736Val (NM_001351834.2); short protein forms A736V.
Identifiers: ClinVar variation 135743 (VCV000135743.17), dbSNP rs587780617, ClinGen allele CA332324.